The following is an entry in ClinVar:

NM_000521.4(HEXB):c.1655A>G (p.Asn552Ser)

Gene: HEXB (hexosaminidase subunit beta; plus strand). Cytogenetic location: 5q13.3.
Variant type: single nucleotide variant.
Coding change: c.1655A>G on transcript NM_000521.4 (MANE Select); coding-DNA position 1655, A replaced by G.
Protein change: p.Asn552Ser; replaces asparagine 552 with serine.
Molecular consequence: missense variant.
Genome position (GRCh38, 1-based): chr5:74,721,159, A>G. VCF-style: chr5-74721159-A-G. GRCh37 (hg19) VCF-style: chr5-74016984-A-G.
Other names: c.980A>G, p.Asn327Ser (NM_001292004.2); short protein forms N327S, N552S.
Identifiers: ClinVar variation 1009605 (VCV001009605.5), dbSNP rs763927371, ClinGen allele CA3306247.

ClinVar aggregate classification (germline): Uncertain significance. Review status: criteria provided, single submitter (1 of 4 stars). 2 submissions from 2 submitters: Uncertain significance (1). 1 of the submissions does not count toward it. Last evaluated 2022-07-12.

Conditions:
Sandhoff disease. Also called: Beta-hexosaminidase-beta-subunit deficiency; GM2 gangliosidosis, type 2; Total hexosaminidase deficiency; Sandhoff-Jatzkewitz-Pilz disease; GM2-GANGLIOSIDOSIS, TYPE II; HEXOSAMINIDASES A AND B DEFICIENCY. Identifiers: Orphanet 796, MedGen C0036161, MONDO:0010006, OMIM 268800.

Allele frequency attached by ClinVar (database versions not stated): TOPMed below 0.00001; gnomAD exomes 0.00001; ExAC 0.00002.

Submissions (2):

Labcorp Genetics (formerly Invitae), Labcorp
Classification: Uncertain significance for Sandhoff disease. Last evaluated: 2022-07-12. Review status: criteria provided, single submitter. Criteria: Invitae Variant Classification Sherloc (09022015). Collection method: clinical testing. Allele origin: germline.
Comment: This sequence change replaces asparagine, which is neutral and polar, with serine, which is neutral and polar, at codon 552 of the HEXB protein (p.Asn552Ser). This variant is present in population databases (rs763927371, gnomAD 0.006%). This variant has not been reported in the literature in individuals affected with HEXB-related conditions. ClinVar contains an entry for this variant (Variation ID: 1009605). Advanced modeling of protein sequence and biophysical properties (such as structural, functional, and spatial information, amino acid conservation, physicochemical variation, residue mobility, and thermodynamic stability) performed at Invitae indicates that this missense variant is not expected to disrupt HEXB protein function. Algorithms developed to predict the effect of sequence changes on RNA splicing suggest that this variant may create or strengthen a splice site. In summary, the available evidence is currently insufficient to determine the role of this variant in disease. Therefore, it has been classified as a Variant of Uncertain Significance.

Natera, Inc.
Classification: Uncertain significance for Sandhoff disease. Last evaluated: 2021-02-16. Review status: no assertion criteria provided. Collection method: clinical testing. Allele origin: germline. Not counted in ClinVar's aggregate classification.